The following is an entry in ClinVar:

NM_172351.3(CD46):c.488C>T (p.Thr163Ile)

Gene: CD46 (CD46 molecule; plus strand). Cytogenetic location: 1q32.2.
Variant type: single nucleotide variant.
Coding change: c.488C>T on transcript NM_172351.3 (MANE Select); coding-DNA position 488, C replaced by T.
Protein change: p.Thr163Ile; replaces threonine 163 with isoleucine.
Molecular consequence: missense variant.
Genome position (GRCh38, 1-based): chr1:207,761,261, C>T. VCF-style: chr1-207761261-C-T. GRCh37 (hg19) VCF-style: chr1-207934606-C-T.
Other names: c.488C>T, p.Thr163Ile (NM_002389.4, NM_153826.4, NM_172350.3 and 8 more transcripts); short protein forms T163I.
Identifiers: ClinVar variation 4291281 (VCV004291281.2).

ClinVar aggregate classification (germline): Uncertain significance. Review status: criteria provided, multiple submitters, no conflicts (2 of 4 stars). 2 submissions from 2 submitters: Uncertain significance (2). Last evaluated 2025-10-02.

Conditions:
Atypical hemolytic-uremic syndrome. Identifiers: Orphanet 2134, MedGen C2931788, MONDO:0016244.

gnomAD v4.1: 5 of 1,606,636 alleles (0.00031%); highest among the groups gnomAD compares: East Asian, 0.0022%; no homozygotes.

Submissions (2):

Genomenon, Inc
Classification: Uncertain significance for Atypical hemolytic-uremic syndrome. Last evaluated: 2025-10-02. Review status: criteria provided, single submitter. Criteria: Genomenon Sequence Variant Interpretation Standards. Collection method: curation. Allele origin: germline. Affected: yes.
Comment: CD46 p.Thr163Ile (c.488C>T) is a missense variant that changes the amino acid at residue 163 from Threonine to Isoleucine. This variant has been observed in at least one proband affected with atypical hemolytic-uremic syndrome (PMID:30039480). It is absent or not present at a significant frequency in gnomAD. In silico models agree that this variant is not damaging. In conclusion, we classify CD46 p.Thr163Ile (c.488C>T) as a variant of uncertain significance.

Labcorp Genetics (formerly Invitae), Labcorp
Classification: Uncertain significance. Last evaluated: 2025-09-04. Review status: criteria provided, single submitter. Criteria: Invitae Variant Classification Sherloc (09022015). Collection method: clinical testing. Allele origin: germline.
Comment: This sequence change replaces threonine, which is neutral and polar, with isoleucine, which is neutral and non-polar, at codon 163 of the CD46 protein (p.Thr163Ile). This variant is present in population databases (rs773650155, gnomAD no frequency). This variant has not been reported in the literature in individuals affected with CD46-related conditions. Invitae Evidence Modeling of protein sequence and biophysical properties (such as structural, functional, and spatial information, amino acid conservation, physicochemical variation, residue mobility, and thermodynamic stability) indicates that this missense variant is not expected to disrupt CD46 protein function with a negative predictive value of 80%. In summary, the available evidence is currently insufficient to determine the role of this variant in disease. Therefore, it has been classified as a Variant of Uncertain Significance.

Literature cited by the submitters: PubMed 30039480 (cited by Genomenon, Inc).